The following is an entry in ClinVar:

NM_000020.3(ACVRL1):c.150G>T (p.Trp50Cys)

Gene: ACVRL1 (activin A receptor like type 1; plus strand). Cytogenetic location: 12q13.13.
Variant type: single nucleotide variant.
Coding change: c.150G>T on transcript NM_000020.3 (MANE Select); coding-DNA position 150, G replaced by T.
Protein change: p.Trp50Cys; replaces tryptophan 50 with cysteine.
Molecular consequence: missense variant.
Genome position (GRCh38, 1-based): chr12:51,913,187, G>T. VCF-style: chr12-51913187-G-T. GRCh37 (hg19) VCF-style: chr12-52306971-G-T.
Other names: W150C; c.150G>T, p.Trp50Cys (NM_001077401.2); short protein forms W50C.
Identifiers: ClinVar variation 8246 (VCV000008246.16), dbSNP rs121909285, ClinGen allele CA254373.
Genomic context (GRCh38, chr12:51,913,187, plus strand): 5'-GCTGGTGACCTGCACGTGTGAGAGCCCACATTGCAAGGGGCCTACCTGCCGGGGGGCCTG[G>T]TGCACAGTAGTGCTGGTGCGGGAGGAGGGGAGGCACCCCCAGGAACATCGGGGCTGCGGG-3'
Protein context (NP_000011.2, residues 40-60): HCKGPTCRGA[Trp50Cys]CTVVLVREEG

ClinVar aggregate classification (germline): Pathogenic. Review status: criteria provided, multiple submitters, no conflicts (2 of 4 stars). 4 submissions from 4 submitters: Pathogenic (3). 1 of the submissions does not count toward it. Last evaluated 2025-09-09.

Conditions:
Cardiovascular phenotype. Identifiers: MedGen CN230736.
Telangiectasia, hereditary hemorrhagic, type 2 (HHT2). Also called: ACVRL1-Related Hereditary Hemorrhagic Telangiectasia; Telangiectasia, hereditary hemorrhagic, type II. Identifiers: Orphanet 774, MedGen C1838163, MONDO:0010880, OMIM 600376. Disease mechanism: loss of function.

Allele frequency attached by ClinVar (database versions not stated): gnomAD exomes below 0.00001.
gnomAD v4.1: 2 of 1,596,470 alleles (0.00013%); highest among the groups gnomAD compares: Non-Finnish European, 0.000085%; no homozygotes.

Submissions (4):

Labcorp Genetics (formerly Invitae), Labcorp
Classification: Pathogenic for Telangiectasia, hereditary hemorrhagic, type 2. Last evaluated: 2025-09-09. Review status: criteria provided, single submitter. Criteria: Invitae Variant Classification Sherloc (09022015). Collection method: clinical testing. Allele origin: germline.
Comment: This sequence change replaces tryptophan, which is neutral and slightly polar, with cysteine, which is neutral and slightly polar, at codon 50 of the ACVRL1 protein (p.Trp50Cys). This variant is not present in population databases (gnomAD no frequency). This missense change has been observed in individuals with hereditary hemorrhagic telangiectasia (PMID: 9245985, 12843319; internal datadatabase). ClinVar contains an entry for this variant (Variation ID: 8246). Invitae Evidence Modeling of protein sequence and biophysical properties (such as structural, functional, and spatial information, amino acid conservation, physicochemical variation, residue mobility, and thermodynamic stability) has been performed for this missense variant. However, the output from this modeling did not meet the statistical confidence thresholds required to predict the impact of this variant on ACVRL1 protein function. Experimental studies have shown that this missense change affects ACVRL1 function (PMID: 10187774, 14684682). For these reasons, this variant has been classified as Pathogenic.

GeneDx
Classification: Pathogenic. Last evaluated: 2023-10-02. Review status: criteria provided, single submitter. Criteria: GeneDx Variant Classification Process June 2021. Collection method: clinical testing. Allele origin: germline. Affected: yes.
Comment: Segregates with disease in affected individuals from a single family in the published literature (Abdalla et al., 2003); Not observed at significant frequency in large population cohorts (gnomAD); In silico analysis supports that this missense variant has a deleterious effect on protein structure/function; Published functional studies demonstrate mis-localization and impaired protein activity (Lux et al., 1999; Harrison et al., 2003); This variant is associated with the following publications: (PMID: 16611099, 22028876, 9245985, 10187774, 14684682, 12843319, 10694922, 10767348, 17576210, 22718755, 15266205)

Ambry Genetics
Classification: Pathogenic for Cardiovascular phenotype. Last evaluated: 2022-05-18. Review status: criteria provided, single submitter. Criteria: Ambry Variant Classification Scheme 2023. Collection method: clinical testing. Allele origin: germline.
Comment: The p.W50C pathogenic mutation (also known as c.150G>T), located in coding exon 2 of the ACVRL1 gene, results from a G to T substitution at nucleotide position 150. The tryptophan at codon 50 is replaced by cysteine, an amino acid with highly dissimilar properties. This alteration has been reported in individuals with a clinical diagnosis of hereditary hemorrhagic telangiectasia (HHT) (Berg JN et al. Am J Hum Genet, 1997 Jul;61:60-7; Abdalla SA et al. J Med Genet, 2003 Jul;40:494-502). In vitro studies showed that this alteration results in low signaling activity probably due abnormal cellular localization (Lux A et al. J Biol Chem, 1999 Apr;274:9984-92; Harrison RE et al. J Med Genet, 2003 Dec;40:865-71). This variant is considered to be rare based on population cohorts in the Genome Aggregation Database (gnomAD). In addition, this alteration is predicted to be deleterious by BayesDel in silico analysis. Based on the supporting evidence, this alteration is interpreted as a disease-causing mutation.

OMIM
Classification: Pathogenic for TELANGIECTASIA, HEREDITARY HEMORRHAGIC, TYPE 2. Last evaluated: 1997-07-01. Review status: no assertion criteria provided. Collection method: literature only. Allele origin: germline. Not counted in ClinVar's aggregate classification.

Literature cited by the submitters: PubMed 9245985 (cited by 3 submitters); PubMed 12843319 (cited by Labcorp Genetics (formerly Invitae), Labcorp and Ambry Genetics); PubMed 10187774 (cited by Labcorp Genetics (formerly Invitae), Labcorp and Ambry Genetics); PubMed 14684682 (cited by Labcorp Genetics (formerly Invitae), Labcorp and Ambry Genetics).